The following is an entry in ClinVar:

ClinVar aggregate classification (germline): Uncertain significance (1 of 4 stars; one submission).

gnomAD v4.1: 7 of 1,613,940 alleles (0.00043%); highest among the groups gnomAD compares: Non-Finnish European, 0.00051%; no homozygotes.

Submission:

GeneDx
Classification: Uncertain significance. Last evaluated: 2019-09-17. Review status: criteria provided, single submitter. Criteria: GeneDx Variant Classification Process June 2021. Collection method: clinical testing. Allele origin: germline. Affected: yes.
Comment: Not observed in large population cohorts (Lek et al., 2016); In silico analysis, which includes protein predictors and evolutionary conservation, supports a deleterious effect; Has not been previously published as pathogenic or benign to our knowledge

NM_001145358.2(SIN3A):c.1474C>A (p.Gln492Lys)

Gene: SIN3A (SIN3 transcription regulator family member A; minus strand). Cytogenetic location: 15q24.2.
Variant type: single nucleotide variant.
Coding change: c.1474C>A on transcript NM_001145358.2 (MANE Select); coding-DNA position 1474, C replaced by A.
Protein change: p.Gln492Lys; replaces glutamine 492 with lysine.
Molecular consequence: missense variant.
Genome position (GRCh38, 1-based): chr15:75,401,904, G>T on the plus strand (C>A on the coding strand, the complement: SIN3A is on the minus strand). VCF-style: chr15-75401904-G-T. GRCh37 (hg19) VCF-style: chr15-75694245-G-T.
Other names: c.1474C>A, p.Gln492Lys (NM_001145357.2, NM_015477.3); short protein forms Q492K.
Identifiers: ClinVar variation 1312252 (VCV001312252.2), dbSNP rs1431278867, ClinGen allele CA393499130.
Genomic context (GRCh38, chr15:75,401,904, plus strand): 5'-TCACTTACCCCAGGAAAGGAGAGACTAGTTGCACAAGCTCAGCACGAGAGATCACCTCCT[G>T]GTTAAAAATAACAAGACAGCGTAGGAAATTTTCGTAGGCTTCTGCACTCCGAAGAGCCTT-3'
Protein context (NP_001138830.1, residues 482-502): NFLRCLVIFN[Gln492Lys]EVISRAELVQ